The following is an entry in ClinVar:

NM_004153.4(ORC1):c.2013G>C (p.Leu671=)

Gene: ORC1 (origin recognition complex subunit 1; minus strand). Cytogenetic location: 1p32.3.
Variant type: single nucleotide variant.
Coding change: c.2013G>C on transcript NM_004153.4 (MANE Select); coding-DNA position 2013, G replaced by C.
Protein change: p.Leu671=; no amino-acid change (leucine 671 retained).
Molecular consequence: synonymous variant.
Genome position (GRCh38, 1-based): chr1:52,383,420, C>G on the plus strand (G>C on the coding strand, the complement: ORC1 is on the minus strand). VCF-style: chr1-52383420-C-G. GRCh37 (hg19) VCF-style: chr1-52849092-C-G.
Other names: c.2013G>C, p.Leu671= (NM_001190818.2); c.1998G>C, p.Leu666= (NM_001190819.2); c.2013G>C (NM_004153.3).
Identifiers: ClinVar variation 445650 (VCV000445650.10), dbSNP rs140536267, ClinGen allele CA853154.

ClinVar aggregate classification (germline): Conflicting classifications of pathogenicity. Review status: criteria provided, conflicting classifications (1 of 4 stars). 3 submissions from 3 submitters: Likely pathogenic (1); Uncertain significance (2). Last evaluated 2025-01-31.

Conditions:
Inborn genetic diseases. Identifiers: MedGen C0950123, MeSH D030342.

Allele frequency attached by ClinVar (database versions not stated): ExAC 0.00002; gnomAD 0.00003 and 0.00004; gnomAD exomes 0.00004 and 0.00005; TOPMed 0.00005; ESP Exome Variant Server 0.00008.
gnomAD v4.1: 70 of 1,612,280 alleles (0.0043%); highest among the groups gnomAD compares: Non-Finnish European, 0.0057%; no homozygotes.

Submissions (3):

Ambry Genetics
Classification: Likely pathogenic for Inborn genetic diseases. Last evaluated: 2025-01-31. Review status: criteria provided, single submitter. Criteria: Ambry Variant Classification Scheme 2023. Collection method: clinical testing. Allele origin: germline.
Comment: The c.2013G>C (p.L671L) alteration is located in exon 13 (coding exon 12) of the ORC1 gene. This alteration consists of a G to C substitution at nucleotide position 2013. This nucleotide substitution does not change the leucine at codon 671. However, this change occurs in the last base pair of coding exon 12, which makes it likely to have some effect on normal mRNA splicing. Based on data from gnomAD, the C allele has an overall frequency of 0.004% (11/282816) total alleles studied. The highest observed frequency was 0.012% (3/24972) of African alleles. This variant was reported in conjunction with another ORC1 variant in individuals with features consistent with consistent with ORC1-related Meier-Gorlin syndrome (Ambry internal data; external communication). This nucleotide position is highly conserved in available vertebrate species. RNA studies have demonstrated that this alteration results in abnormal splicing in the set of samples tested (Ambry internal data). In silico splice site analysis for this alteration is inconclusive. Based on the available evidence, this alteration is classified as likely pathogenic.

Labcorp Genetics (formerly Invitae), Labcorp
Classification: Uncertain significance. Last evaluated: 2021-09-02. Review status: criteria provided, single submitter. Criteria: Invitae Variant Classification Sherloc (09022015). Collection method: clinical testing. Allele origin: germline.
Comment: This sequence change affects codon 671 of the ORC1 mRNA. It is a 'silent' change, meaning that it does not change the encoded amino acid sequence of the ORC1 protein. This variant also falls at the last nucleotide of exon 13, which is part of the consensus splice site for this exon. This variant is present in population databases (rs140536267, ExAC 0.01%). This variant has been observed in individual(s) with clinical features of ORC1-related conditions (Invitae). ClinVar contains an entry for this variant (Variation ID: 445650). Variants that disrupt the consensus splice site are a relatively common cause of aberrant splicing (PMID: 17576681, 9536098). Algorithms developed to predict the effect of sequence changes on RNA splicing suggest that this variant may disrupt the consensus splice site. In summary, the available evidence is currently insufficient to determine the role of this variant in disease. Therefore, it has been classified as a Variant of Uncertain Significance.

Center for Pediatric Genomic Medicine, Children's Mercy Hospital and Clinics
Classification: Uncertain significance. Last evaluated: 2017-04-28. Review status: criteria provided, single submitter. Criteria: ACMG Guidelines, 2015. Collection method: clinical testing. Allele origin: germline.

Literature cited by the submitters: PubMed 17576681 (cited by Labcorp Genetics (formerly Invitae), Labcorp); PubMed 9536098 (cited by Labcorp Genetics (formerly Invitae), Labcorp).